The following is an entry in ClinVar:

ClinVar aggregate classification (germline): Conflicting classifications of pathogenicity. Review status: criteria provided, conflicting classifications (1 of 4 stars). 3 submissions from 3 submitters: Pathogenic (1); Uncertain significance (2). Last evaluated 2024-11-01.

Conditions:
Polycystic kidney disease, adult type (PKD1). Also called: Polycystic Kidney, Autosomal Dominant; POLYCYSTIC KIDNEY DISEASE 1 WITH OR WITHOUT POLYCYSTIC LIVER DISEASE; POLYCYSTIC KIDNEY DISEASE, ADULT, TYPE I; Polycystic Kidney Disease 1, Autosomal Dominant; Polycystic kidney disease 1; Polycystic kidney disease 1, severe. Identifiers: MedGen C3149841, MONDO:0008263, OMIM 173900.

gnomAD v4.1: 2 of 1,611,562 alleles (0.00012%); highest among the groups gnomAD compares: African/African-American, 0.0027%; no homozygotes.

Submissions (3):

Department of Pathology and Laboratory Medicine, Sinai Health System
Classification: Uncertain significance for Polycystic kidney disease, adult type. Last evaluated: 2024-11-01. Review status: criteria provided, single submitter. Criteria: ACMG Guidelines, 2015. Collection method: clinical testing. Allele origin: germline.

Greenwood Genetic Center Diagnostic Laboratories, Greenwood Genetic Center
Classification: Uncertain significance. Last evaluated: 2024-04-24. Review status: criteria provided, single submitter. Criteria: ACMG Guidelines, 2015. Collection method: clinical testing. Allele origin: germline. Affected: yes.
Comment: PM2

Fulgent Genetics
Classification: Pathogenic for Polycystic kidney disease, adult type. Last evaluated: 2024-04-17. Review status: criteria provided, single submitter. Criteria: ACMG Guidelines, 2015. Collection method: clinical testing. Allele origin: germline.

Literature cited by the submitters: PubMed 17582161 (cited by Department of Pathology and Laboratory Medicine, Sinai Health System).

NM_001009944.3(PKD1):c.12410T>C (p.Leu4137Pro)

Gene: PKD1 (polycystin 1, transient receptor potential channel interacting; minus strand). Cytogenetic location: 16p13.3.
Variant type: single nucleotide variant.
Coding change: c.12410T>C on transcript NM_001009944.3 (MANE Select); coding-DNA position 12410, T replaced by C.
Protein change: p.Leu4137Pro; replaces leucine 4137 with proline.
Molecular consequence: missense variant.
Genome position (GRCh38, 1-based): chr16:2,090,319, A>G on the plus strand (T>C on the coding strand, the complement: PKD1 is on the minus strand). VCF-style: chr16-2090319-A-G. GRCh37 (hg19) VCF-style: chr16-2140320-A-G.
Other names: c.12407T>C, p.Leu4136Pro (NM_000296.4); short protein forms L4136P, L4137P.
Identifiers: ClinVar variation 3338596 (VCV003338596.3).